The following is an entry in ClinVar:

NM_001110556.2(FLNA):c.6372C>T (p.His2124=)

Gene: FLNA (filamin A; minus strand). Cytogenetic location: Xq28.
Variant type: single nucleotide variant.
Coding change: c.6372C>T on transcript NM_001110556.2 (MANE Select); coding-DNA position 6372, C replaced by T.
Protein change: p.His2124=; no amino-acid change (histidine 2124 retained).
Molecular consequence: synonymous variant.
Genome position (GRCh38, 1-based): chrX:154,352,779, G>A on the plus strand (C>T on the coding strand, the complement: FLNA is on the minus strand). VCF-style: chrX-154352779-G-A. GRCh37 (hg19) VCF-style: chrX-153581147-G-A.
Other names: c.6348C>T, p.His2116= (NM_001456.4).
Identifiers: ClinVar variation 2174249 (VCV002174249.28), dbSNP rs781999359, ClinGen allele CA10560111.

ClinVar aggregate classification (germline): Benign/Likely benign. Review status: criteria provided, multiple submitters, no conflicts (2 of 4 stars). 2 submissions from 2 submitters: Benign (1); Likely benign (1). Last evaluated 2025-12-09.

Conditions:
Heterotopia, periventricular, X-linked dominant (PVNH1). Also called: PERIVENTRICULAR NODULAR HETEROTOPIA 1; X-linked periventricular heterotopia; PERIVENTRICULAR NODULAR HETEROTOPIA 4; HETEROTOPIA, PERIVENTRICULAR, 1. Identifiers: Orphanet 2149, Orphanet 82004, MedGen C1848213, MONDO:0010233, OMIM 300049.
Melnick-Needles syndrome (MNS). Also called: MELNICK-NEEDLES OSTEODYSPLASTY; OSTEODYSPLASTY OF MELNICK AND NEEDLES; Melnick-Needles Syndrome (FLNA-MNS). Identifiers: Orphanet 2484, MedGen C0025237, MONDO:0010650, OMIM 309350.
Frontometaphyseal dysplasia (FMD1). Identifiers: Orphanet 1826, MedGen C0265293, MONDO:0015942.
Oto-palato-digital syndrome, type II (OPD2). Also called: OPD II SYNDROME; Otopalatodigital Syndrome Type 2 (FLNA-OPD2); Otopalatodigital Syndrome, Type II; FACIOPALATOOSSEOUS SYNDROME. Identifiers: Orphanet 669, Orphanet 90652, MedGen C1844696, MONDO:0010571, OMIM 304120.

Allele frequency attached by ClinVar (database versions not stated): ExAC 0.00001.
gnomAD v4.1: 7 of 1,212,067 alleles (0.00058%); highest among the groups gnomAD compares: African/African-American, 0.0034%; no homozygotes.

Submissions (2):

Labcorp Genetics (formerly Invitae), Labcorp
Classification: Benign for Oto-palato-digital syndrome, type II; Heterotopia, periventricular, X-linked dominant; Frontometaphyseal dysplasia; Melnick-Needles syndrome. Last evaluated: 2025-12-09. Review status: criteria provided, single submitter. Criteria: Invitae Variant Classification Sherloc (09022015). Collection method: clinical testing. Allele origin: germline.

CeGaT Center for Human Genetics Tuebingen
Classification: Likely benign. Last evaluated: 2023-02-01. Review status: criteria provided, single submitter. Criteria: CeGaT Center For Human Genetics Tuebingen Variant Classification Criteria Version 2. Collection method: clinical testing. Allele origin: germline. Affected: yes. Observed: 1 variant allele.
Comment: FLNA: BP4, BP7